The following is an entry in ClinVar:

ClinVar aggregate classification (germline): Uncertain significance (1 of 4 stars; one submission).

Conditions:
Neurofibromatosis, type 1 (NF1). Also called: VON RECKLINGHAUSEN DISEASE; Peripheral type neurofibromatosis; Neurofibromatosis, type I; NEUROFIBROMATOSIS, TYPE I, SOMATIC. Identifiers: Orphanet 636, MedGen C0027831, MONDO:0018975, OMIM 162200. Disease mechanism: loss of function.

Submission:

Labcorp Genetics (formerly Invitae), Labcorp
Classification: Uncertain significance for Neurofibromatosis, type 1. Last evaluated: 2022-11-24. Review status: criteria provided, single submitter. Criteria: Invitae Variant Classification Sherloc (09022015). Collection method: clinical testing. Allele origin: germline.
Comment: This sequence change replaces threonine, which is neutral and polar, with serine, which is neutral and polar, at codon 2323 of the NF1 protein (p.Thr2323Ser). This variant is not present in population databases (gnomAD no frequency). This variant has not been reported in the literature in individuals affected with NF1-related conditions. Advanced modeling of protein sequence and biophysical properties (such as structural, functional, and spatial information, amino acid conservation, physicochemical variation, residue mobility, and thermodynamic stability) has been performed at Invitae for this missense variant, however the output from this modeling did not meet the statistical confidence thresholds required to predict the impact of this variant on NF1 protein function. In summary, the available evidence is currently insufficient to determine the role of this variant in disease. Therefore, it has been classified as a Variant of Uncertain Significance.

NM_001042492.3(NF1):c.7031C>G (p.Thr2344Ser)

Gene: NF1 (neurofibromin 1; plus strand). Cytogenetic location: 17q11.2.
Variant type: single nucleotide variant.
Coding change: c.7031C>G on transcript NM_001042492.3 (MANE Select); coding-DNA position 7031, C replaced by G.
Protein change: p.Thr2344Ser; replaces threonine 2344 with serine.
Molecular consequence: missense variant.
Genome position (GRCh38, 1-based): chr17:31,340,614, C>G. VCF-style: chr17-31340614-C-G. GRCh37 (hg19) VCF-style: chr17-29667632-C-G.
Other names: c.6968C>G, p.Thr2323Ser (NM_000267.4); short protein forms T2323S, T2344S.
Identifiers: ClinVar variation 2816444 (VCV002816444.3), dbSNP rs2069793613, ClinGen allele CA399015122.